The following is an entry in ClinVar:

ClinVar aggregate classification (germline): Uncertain significance (1 of 4 stars; one submission).

Submission:

GeneDx
Classification: Uncertain significance. Last evaluated: 2019-07-18. Review status: criteria provided, single submitter. Criteria: GeneDx Variant Classification Process June 2021. Collection method: clinical testing. Allele origin: germline. Affected: yes.
Comment: Not observed in large population cohorts (Lek et al., 2016); In silico analysis, which includes protein predictors and evolutionary conservation, supports a deleterious effect; Has not been previously published as pathogenic or benign to our knowledge

NM_012199.5(AGO1):c.591G>T (p.Trp197Cys)

Gene: AGO1 (argonaute RISC component 1; plus strand). Cytogenetic location: 1p34.3.
Variant type: single nucleotide variant.
Coding change: c.591G>T on transcript NM_012199.5 (MANE Select); coding-DNA position 591, G replaced by T.
Protein change: p.Trp197Cys; replaces tryptophan 197 with cysteine.
Molecular consequence: missense variant.
Genome position (GRCh38, 1-based): chr1:35,893,752, G>T. VCF-style: chr1-35893752-G-T. GRCh37 (hg19) VCF-style: chr1-36359353-G-T.
Other names: c.591G>T, p.Trp197Cys (NM_001317122.2); c.366G>T, p.Trp122Cys (NM_001317123.2); short protein forms W122C, W197C.
Identifiers: ClinVar variation 1307024 (VCV001307024.2), dbSNP rs2148711380, ClinGen allele CA339367491.
Genomic context (GRCh38, chr1:35,893,752, plus strand): 5'-CTCCTTCTTCTCACCGCCTGAGGGCTACTACCACCCGCTGGGGGGTGGGCGCGAGGTCTG[G>T]TTCGGCTTTCACCAGTCTGTGCGCCCTGCCATGTGGAAGATGATGCTCAACATTGATGGT-3'
Protein context (NP_036331.1, residues 187-207): YHPLGGGREV[Trp197Cys]FGFHQSVRPA